The following is an entry in ClinVar:

NM_000239.3(LYZ):c.246G>A (p.Trp82Ter)

Gene: LYZ (lysozyme; plus strand). Cytogenetic location: 12q15.
Variant type: single nucleotide variant.
Coding change: c.246G>A on transcript NM_000239.3 (MANE Select); coding-DNA position 246, G replaced by A.
Protein change: p.Trp82Ter; replaces tryptophan 82 with a stop codon.
Molecular consequence: nonsense.
Genome position (GRCh38, 1-based): chr12:69,350,217, G>A. VCF-style: chr12-69350217-G-A. GRCh37 (hg19) VCF-style: chr12-69743997-G-A.
Other names: short protein forms W82*.
Identifiers: ClinVar variation 3681872 (VCV003681872.2).

ClinVar aggregate classification (germline): Uncertain significance (1 of 4 stars; one submission).

Submission:

Labcorp Genetics (formerly Invitae), Labcorp
Classification: Uncertain significance. Last evaluated: 2024-09-28. Review status: criteria provided, single submitter. Criteria: Invitae Variant Classification Sherloc (09022015). Collection method: clinical testing. Allele origin: germline.
Comment: This sequence change creates a premature translational stop signal (p.Trp82*) in the LYZ gene. It is expected to result in an absent or disrupted protein product. However, the current clinical and genetic evidence is not sufficient to establish whether loss-of-function variants in LYZ cause disease. This variant is not present in population databases (gnomAD no frequency). This variant has not been reported in the literature in individuals affected with LYZ-related conditions. In summary, the available evidence is currently insufficient to determine the role of this variant in disease. Therefore, it has been classified as a Variant of Uncertain Significance.